The following is an entry in ClinVar:

NM_053025.4(MYLK):c.5572G>T (p.Asp1858Tyr)

Genes: MYLK (myosin light chain kinase; minus strand), MYLK-AS1 (MYLK antisense RNA 1; plus strand). Cytogenetic location: 3q21.1.
Variant type: single nucleotide variant.
Coding change: c.5572G>T on transcript NM_053025.4 (MANE Select); coding-DNA position 5572, G replaced by T.
Protein change: p.Asp1858Tyr; replaces aspartic acid 1858 with tyrosine.
Molecular consequence: missense variant.
Genome position (GRCh38, 1-based): chr3:123,614,278, C>A on the plus strand (G>T on the coding strand, the complement: MYLK is on the minus strand). VCF-style: chr3-123614278-C-A. GRCh37 (hg19) VCF-style: chr3-123333125-C-A.
Other names: c.5044G>T, p.Asp1682Tyr (NM_001321309.2); c.5365G>T, p.Asp1789Tyr (NM_053026.4); c.5419G>T, p.Asp1807Tyr (NM_053027.4); c.5212G>T, p.Asp1738Tyr (NM_053028.4); c.289G>T, p.Asp97Tyr (NM_053031.4); c.292G>T, p.Asp98Tyr (NM_053032.4); short protein forms D1807Y, D98Y, D1682Y, D1858Y, D1738Y, D1789Y, D97Y.
Identifiers: ClinVar variation 2379819 (VCV002379819.4), dbSNP rs1235715327, ClinGen allele CA354229218.

ClinVar aggregate classification (germline): Uncertain significance. Review status: criteria provided, multiple submitters, no conflicts (2 of 4 stars). 2 submissions from 2 submitters: Uncertain significance (2). Last evaluated 2024-04-03.

Conditions:
Familial thoracic aortic aneurysm and aortic dissection (TAAD). Also called: Thoracic aortic aneurysms and dissections. Identifiers: Orphanet 91387, MedGen C4707243, MONDO:0019625.
Aortic aneurysm, familial thoracic 7 (AAT7). Also called: AORTIC DISSECTION, FAMILIAL, WITH OR WITHOUT AORTIC ANEURYSM. Identifiers: MedGen C3151077, MONDO:0013418, OMIM 613780.

Allele frequency attached by ClinVar (database versions not stated): gnomAD exomes 0.00001; TOPMed 0.00001.
gnomAD v4.1: 5 of 1,614,164 alleles (0.00031%); highest among the groups gnomAD compares: Admixed American, 0.0083%; no homozygotes.

Submissions (2):

Labcorp Genetics (formerly Invitae), Labcorp
Classification: Uncertain significance for Aortic aneurysm, familial thoracic 7. Last evaluated: 2024-04-03. Review status: criteria provided, single submitter. Criteria: Invitae Variant Classification Sherloc (09022015). Collection method: clinical testing. Allele origin: germline.
Comment: This sequence change replaces aspartic acid, which is acidic and polar, with tyrosine, which is neutral and polar, at codon 1858 of the MYLK protein (p.Asp1858Tyr). This variant is present in population databases (no rsID available, gnomAD 0.009%). This variant has not been reported in the literature in individuals affected with MYLK-related conditions. ClinVar contains an entry for this variant (Variation ID: 2379819). Advanced modeling of protein sequence and biophysical properties (such as structural, functional, and spatial information, amino acid conservation, physicochemical variation, residue mobility, and thermodynamic stability) performed at Invitae indicates that this missense variant is not expected to disrupt MYLK protein function with a negative predictive value of 80%. In summary, the available evidence is currently insufficient to determine the role of this variant in disease. Therefore, it has been classified as a Variant of Uncertain Significance.

Ambry Genetics
Classification: Uncertain significance for Familial thoracic aortic aneurysm and aortic dissection. Last evaluated: 2021-09-17. Review status: criteria provided, single submitter. Criteria: Ambry Variant Classification Scheme 2023. Collection method: clinical testing. Allele origin: germline.